The following is an entry in ClinVar:

NM_001195263.2(PDZD7):c.1560G>T (p.Trp520Cys)

Gene: PDZD7 (PDZ domain containing 7; minus strand). Cytogenetic location: 10q24.31.
Variant type: single nucleotide variant.
Coding change: c.1560G>T on transcript NM_001195263.2 (MANE Select); coding-DNA position 1560, G replaced by T.
Protein change: p.Trp520Cys; replaces tryptophan 520 with cysteine.
Molecular consequence: missense variant.
Genome position (GRCh38, 1-based): chr10:101,016,390, C>A on the plus strand (G>T on the coding strand, the complement: PDZD7 is on the minus strand). VCF-style: chr10-101016390-C-A. GRCh37 (hg19) VCF-style: chr10-102776147-C-A.
Other names: short protein forms W520C.
Identifiers: ClinVar variation 1940594 (VCV001940594.2), dbSNP rs1459730883, ClinGen allele CA378227220.

ClinVar aggregate classification (germline): Uncertain significance (1 of 4 stars; one submission).

Allele frequency attached by ClinVar (database versions not stated): gnomAD exomes below 0.00001; gnomAD 0.00003; TOPMed 0.00003.

Submission:

Labcorp Genetics (formerly Invitae), Labcorp
Classification: Uncertain significance. Last evaluated: 2022-07-19. Review status: criteria provided, single submitter. Criteria: Invitae Variant Classification Sherloc (09022015). Collection method: clinical testing. Allele origin: germline.
Comment: This sequence change replaces tryptophan, which is neutral and slightly polar, with cysteine, which is neutral and slightly polar, at codon 520 of the PDZD7 protein (p.Trp520Cys). This variant is present in population databases (no rsID available, gnomAD 0.006%). This variant has not been reported in the literature in individuals affected with PDZD7-related conditions. Algorithms developed to predict the effect of missense changes on protein structure and function are either unavailable or do not agree on the potential impact of this missense change (SIFT: "Deleterious"; PolyPhen-2: "Not Available"; Align-GVGD: "Class C0"). In summary, the available evidence is currently insufficient to determine the role of this variant in disease. Therefore, it has been classified as a Variant of Uncertain Significance.